The following is an entry in ClinVar:

NM_020975.6(RET):c.1649-5T>C

Gene: RET (ret proto-oncogene; plus strand). Cytogenetic location: 10q11.21.
Variant type: single nucleotide variant.
Coding change: c.1649-5T>C on transcript NM_020975.6 (MANE Select); 5 bases into the intron before coding-DNA position 1649, T replaced by C.
Molecular consequence: intron variant.
Genome position (GRCh38, 1-based): chr10:43,112,848, T>C. VCF-style: chr10-43112848-T-C. GRCh37 (hg19) VCF-style: chr10-43608296-T-C.
Other names: c.1649-5T>C (NM_020630.7, NM_001406743.1, NM_001406744.1 and 4 more transcripts); c.1253-5T>C (NM_001406772.1, NM_001406769.1); c.1211-5T>C (NM_001406773.1, NM_001406771.1); c.752-5T>C (NM_001406782.1, NM_001406780.1, NM_001406779.1 and 3 more transcripts); c.1520-5T>C (NM_001406764.1, NM_001406762.1, NM_001406761.1 and 1 more transcripts); c.1124-5T>C (NM_001406774.1); c.623-5T>C (NM_001406786.1, NM_001406783.1); c.1361-5T>C (NM_001406770.1, NM_001406766.1, NM_001406767.1); and 5 more.
Identifiers: ClinVar variation 230288 (VCV000230288.19), dbSNP rs876658485, ClinGen allele CA10578865.

ClinVar aggregate classification (germline): Conflicting classifications of pathogenicity. Review status: criteria provided, conflicting classifications (1 of 4 stars). 3 submissions from 3 submitters: Uncertain significance (1); Likely benign (2). Last evaluated 2025-09-16.

Conditions:
Hereditary cancer-predisposing syndrome. Also called: Hereditary neoplastic syndrome; Hereditary Cancer Syndrome; Neoplastic Syndromes, Hereditary; Tumor predisposition. Identifiers: Orphanet 140162, MedGen C0027672, MeSH D009386, MONDO:0015356.
Multiple endocrine neoplasia, type 2 (MEN2). Identifiers: Orphanet 653, MedGen C4048306, MONDO:0019003. Disease mechanism: gain of function.

Allele frequency attached by ClinVar (database versions not stated): gnomAD exomes below 0.00001.
gnomAD v4.1: 4 of 1,610,166 alleles (0.00025%); no homozygotes.

Submissions (3):

Labcorp Genetics (formerly Invitae), Labcorp
Classification: Likely benign for Multiple endocrine neoplasia, type 2. Last evaluated: 2025-09-16. Review status: criteria provided, single submitter. Criteria: Invitae Variant Classification Sherloc (09022015). Collection method: clinical testing. Allele origin: germline.

Ambry Genetics
Classification: Uncertain significance for Hereditary cancer-predisposing syndrome. Last evaluated: 2024-08-29. Review status: criteria provided, single submitter. Criteria: Ambry Variant Classification Scheme 2023. Collection method: clinical testing. Allele origin: germline.
Comment: The c.1649-5T>C intronic variant results from a T to C substitution 5 nucleotides upstream from coding exon 9 in the RET gene. This nucleotide position is well conserved in available vertebrate species. In silico splice site analysis predicts that this alteration will not have any significant effect on splicing. Since supporting evidence is limited at this time, the clinical significance of this alteration remains unclear.

Color Diagnostics, LLC DBA Color Health
Classification: Likely benign for Multiple endocrine neoplasia, type 2. Last evaluated: 2023-05-16. Review status: criteria provided, single submitter. Criteria: ACMG Guidelines, 2015. Collection method: clinical testing. Allele origin: germline.